The following is an entry in ClinVar:

NM_003051.4(SLC16A1):c.1076A>C (p.Tyr359Ser)

Gene: SLC16A1 (solute carrier family 16 member 1; minus strand). Cytogenetic location: 1p13.2.
Variant type: single nucleotide variant.
Coding change: c.1076A>C on transcript NM_003051.4 (MANE Select); coding-DNA position 1076, A replaced by C.
Protein change: p.Tyr359Ser; replaces tyrosine 359 with serine.
Molecular consequence: missense variant.
Genome position (GRCh38, 1-based): chr1:112,917,330, T>G on the plus strand (A>C on the coding strand, the complement: SLC16A1 is on the minus strand). VCF-style: chr1-112917330-T-G. GRCh37 (hg19) VCF-style: chr1-113459952-T-G.
Other names: c.1076A>C, p.Tyr359Ser (NM_001166496.2); short protein forms Y359S.
Identifiers: ClinVar variation 3009831 (VCV003009831.3), dbSNP rs1226416477, ClinGen allele CA341827589.

ClinVar aggregate classification (germline): Uncertain significance (1 of 4 stars; one submission).

Allele frequency attached by ClinVar (database versions not stated): gnomAD 0.00001; TOPMed below 0.00001.
gnomAD v4.1: 11 of 1,614,044 alleles (0.00068%); highest among the groups gnomAD compares: Non-Finnish European, 0.00093%; no homozygotes.

Submission:

Labcorp Genetics (formerly Invitae), Labcorp
Classification: Uncertain significance. Last evaluated: 2025-10-02. Review status: criteria provided, single submitter. Criteria: Invitae Variant Classification Sherloc (09022015). Collection method: clinical testing. Allele origin: germline.
Comment: This sequence change replaces tyrosine, which is neutral and polar, with serine, which is neutral and polar, at codon 359 of the SLC16A1 protein (p.Tyr359Ser). This variant is present in population databases (no rsID available, gnomAD 0.002%). This variant has not been reported in the literature in individuals affected with SLC16A1-related conditions. ClinVar contains an entry for this variant (Variation ID: 3009831). An algorithm developed to predict the effect of missense changes on protein structure and function (PolyPhen-2) suggests that this variant is likely to be disruptive. In summary, the available evidence is currently insufficient to determine the role of this variant in disease. Therefore, it has been classified as a Variant of Uncertain Significance.